The following is an entry in ClinVar:

NM_006618.5(KDM5B):c.3861dup (p.Tyr1288fs)

Gene: KDM5B (lysine demethylase 5B; minus strand). Cytogenetic location: 1q32.1.
Variant type: Duplication.
Coding change: c.3861dup on transcript NM_006618.5 (MANE Select); coding-DNA position 3861, one base duplicated (A; older notation c.3861dupA).
Protein change: p.Tyr1288fs; shifts the reading frame from tyrosine 1288.
Molecular consequence: frameshift variant.
Genome position (GRCh38, 1-based): chr1:202,733,449, T duplicated on the plus strand (A on the coding strand, the reverse complement: KDM5B is on the minus strand). VCF-style (leftmost placement, unchanged base first): chr1-202733448-A-AT. GRCh37 (hg19) VCF-style: chr1-202702576-A-AT.
Other names: c.3969dup, p.Tyr1324fs (NM_001314042.2); c.3726dup, p.Tyr1243fs (NM_001347591.2); c.3846dup, p.Tyr1283fs (NM_001399817.1); c.3861dup (NM_006618.3); short protein forms Y1243fs, Y1283fs, Y1288fs, Y1324fs.
Identifiers: ClinVar variation 3233503 (VCV003233503.3), dbSNP rs2527408276, ClinGen allele CA2825000911.

ClinVar aggregate classification (germline): Likely pathogenic (1 of 4 stars; one submission).

Submission:

GeneDx
Classification: Likely pathogenic. Last evaluated: 2023-12-29. Review status: criteria provided, single submitter. Criteria: GeneDx Variant Classification Process June 2021. Collection method: clinical testing. Allele origin: germline. Affected: yes.
Comment: Frameshift variant predicted to result in protein truncation or nonsense mediated decay in a gene for which loss of function is a known mechanism of disease; Not observed at significant frequency in large population cohorts (gnomAD); Has not been previously published as pathogenic or benign to our knowledge